The following is an entry in ClinVar:

NM_001014342.3(FLG2):c.4217A>G (p.His1406Arg)

Genes: CCDST (cervical cancer associated DHX9 suppressive transcript; plus strand), FLG2 (filaggrin 2; minus strand). Cytogenetic location: 1q21.3.
Variant type: single nucleotide variant.
Coding change: c.4217A>G on transcript NM_001014342.3 (MANE Select); coding-DNA position 4217, A replaced by G.
Protein change: p.His1406Arg; replaces histidine 1406 with arginine.
Molecular consequence: missense variant.
Genome position (GRCh38, 1-based): chr1:152,353,569, T>C on the plus strand (A>G on the coding strand, the complement: FLG2 is on the minus strand). VCF-style: chr1-152353569-T-C. GRCh37 (hg19) VCF-style: chr1-152326045-T-C.
Other names: short protein forms H1406R.
Identifiers: ClinVar variation 5021907 (VCV005021907.1).
Genomic context (GRCh38, chr1:152,353,569, plus strand): 5'-TCACTATGGCCAGATCCCCTTCTTCCAGTTGTCCTGGACCCTCTCTGTGTGGACTGTCCA[T>C]GACCAGAGTGGCCATGTCCAGTGGCCTCTCCTGTCTGTCCATAAGTAGTTTCATGTCTCT-3'
Protein context (NP_001014364.1, residues 1396-1416): GEATGHGHSG[His1406Arg]GQSTQRGSRT

ClinVar aggregate classification (germline): Uncertain significance (1 of 4 stars; one submission).

gnomAD v4.1: 2 of 1,614,132 alleles (0.00012%); highest among the groups gnomAD compares: East Asian, 0.0045%; no homozygotes.

Submission:

Ambry Genetics
Classification: Uncertain significance. Last evaluated: 2026-08-13. Review status: criteria provided, single submitter. Criteria: Ambry Variant Classification Scheme 2023. Collection method: clinical testing. Allele origin: germline.
Comment: The c.4217A>G (p.H1406R) alteration is located in exon 3 (coding exon 2) of the FLG2 gene. This alteration results from a A to G substitution at nucleotide position 4217, causing the histidine (H) at amino acid position 1406 to be replaced by an arginine (R). Based on data from gnomAD, the G allele has an overall frequency of 0.001% (2/251378) total alleles studied. The highest observed frequency was 0.011% (2/18394) of East Asian alleles. Based on insufficient or conflicting evidence, the clinical significance of this alteration remains unclear.